The following is an entry in ClinVar:

ClinVar aggregate classification (germline): Uncertain significance. Review status: criteria provided, multiple submitters, no conflicts (2 of 4 stars). 2 submissions from 2 submitters: Uncertain significance (2). Last evaluated 2026-09-25.

Allele frequency attached by ClinVar (database versions not stated): gnomAD 0.00016 and 0.00017; TOPMed 0.00016; gnomAD exomes 0.00015; ExAC 0.00016; ESP Exome Variant Server 0.00038.
gnomAD v4.1: 189 of 1,614,014 alleles (0.012%); highest among the groups gnomAD compares: African/African-American, 0.016%; no homozygotes.

Submissions (2):

GeneDx
Classification: Uncertain significance. Last evaluated: 2026-09-25. Review status: criteria provided, single submitter. Criteria: GeneDx Variant Classification Process June 2021. Collection method: clinical testing. Allele origin: germline.
Comment: In silico analysis supports that this missense variant has a deleterious effect on protein structure/function; Has not been previously published as pathogenic or benign to our knowledge

Labcorp Genetics (formerly Invitae), Labcorp
Classification: Uncertain significance. Last evaluated: 2022-08-05. Review status: criteria provided, single submitter. Criteria: Invitae Variant Classification Sherloc (09022015). Collection method: clinical testing. Allele origin: germline.
Comment: In summary, the available evidence is currently insufficient to determine the role of this variant in disease. Therefore, it has been classified as a Variant of Uncertain Significance. Algorithms developed to predict the effect of missense changes on protein structure and function (SIFT, PolyPhen-2, Align-GVGD) all suggest that this variant is likely to be disruptive. ClinVar contains an entry for this variant (Variation ID: 1220310). This variant has not been reported in the literature in individuals affected with COQ8B-related conditions. This variant is present in population databases (rs139202966, gnomAD 0.2%). This sequence change replaces glycine, which is neutral and non-polar, with arginine, which is basic and polar, at codon 231 of the COQ8B protein (p.Gly231Arg).

NM_024876.4(COQ8B):c.691G>A (p.Gly231Arg)

Gene: COQ8B (coenzyme Q8B; minus strand). Cytogenetic location: 19q13.2.
Variant type: single nucleotide variant.
Coding change: c.691G>A on transcript NM_024876.4 (MANE Select); coding-DNA position 691, G replaced by A.
Protein change: p.Gly231Arg; replaces glycine 231 with arginine.
Molecular consequence: missense variant.
Genome position (GRCh38, 1-based): chr19:40,703,741, C>T on the plus strand (G>A on the coding strand, the complement: COQ8B is on the minus strand). VCF-style: chr19-40703741-C-T. GRCh37 (hg19) VCF-style: chr19-41209646-C-T.
Other names: c.568G>A, p.Gly190Arg (NM_001142555.3); short protein forms G190R, G231R.
Identifiers: ClinVar variation 1220310 (VCV001220310.8), dbSNP rs139202966, ClinGen allele CA9450333.